The following is an entry in ClinVar:

NM_138694.4(PKHD1):c.4415G>A (p.Cys1472Tyr)

Gene: PKHD1 (PKHD1 ciliary IPT domain containing fibrocystin/polyductin; minus strand). Cytogenetic location: 6p12.2.
Variant type: single nucleotide variant.
Coding change: c.4415G>A on transcript NM_138694.4 (MANE Select); coding-DNA position 4415, G replaced by A.
Protein change: p.Cys1472Tyr; replaces cysteine 1472 with tyrosine.
Molecular consequence: missense variant.
Genome position (GRCh38, 1-based): chr6:52,025,395, C>T on the plus strand (G>A on the coding strand, the complement: PKHD1 is on the minus strand). VCF-style: chr6-52025395-C-T. GRCh37 (hg19) VCF-style: chr6-51890193-C-T.
Other names: c.4415G>A, p.Cys1472Tyr (NM_170724.3); short protein forms C1472Y.
Identifiers: ClinVar variation 2136418 (VCV002136418.5), dbSNP rs1375859861, ClinGen allele CA364433343.

ClinVar aggregate classification (germline): Conflicting classifications of pathogenicity. Review status: criteria provided, conflicting classifications (1 of 4 stars). 2 submissions from 2 submitters: Pathogenic (1); Uncertain significance (1). Last evaluated 2025-07-31.

Conditions:
Polycystic kidney disease 4 (PKD4). Also called: PKD3; POLYCYSTIC KIDNEY DISEASE 4 WITH OR WITHOUT POLYCYSTIC LIVER DISEASE; POLYCYSTIC KIDNEY AND HEPATIC DISEASE 1; POLYCYSTIC KIDNEY DISEASE, INFANTILE, TYPE I; Autosomal Recessive Polycystic Kidney Disease – PKHD1. Identifiers: MedGen C4540575, MONDO:0033004, OMIM 263200.
Autosomal recessive polycystic kidney disease (ARPKD). Also called: AR polycystic kidney disease. Identifiers: Orphanet 731, Orphanet 8378, MedGen C0085548, MeSH D017044, MONDO:0009889.

Submissions (2):

Myriad Genetics, Inc.
Classification: Uncertain significance for Polycystic kidney disease 4. Last evaluated: 2025-07-31. Review status: criteria provided, single submitter. Criteria: Myriad Autosomal Dominant, Autosomal Recessive and X-Linked Classification Criteria (2023). Collection method: clinical testing. Allele origin: unknown.
Comment: NM_138694.3(PKHD1):c.4415G>A(C1472Y) is a missense variant classified as a variant of uncertain significance in the context of autosomal recessive polycystic kidney disease, PKHD1-related. C1472Y has been observed in a case with relevant disease (PMID: 15108281). Relevant functional assessments of this variant are not available in the literature. C1472Y has not been observed in referenced population frequency databases. In summary, there is insufficient evidence to classify NM_138694.3(PKHD1):c.4415G>A(C1472Y) as pathogenic or benign. Please note: this variant was assessed in the context of healthy population screening.

Labcorp Genetics (formerly Invitae), Labcorp
Classification: Pathogenic for Autosomal recessive polycystic kidney disease. Last evaluated: 2023-10-12. Review status: criteria provided, single submitter. Criteria: Invitae Variant Classification Sherloc (09022015). Collection method: clinical testing. Allele origin: germline.
Comment: This sequence change replaces cysteine, which is neutral and slightly polar, with tyrosine, which is neutral and polar, at codon 1472 of the PKHD1 protein (p.Cys1472Tyr). This variant is not present in population databases (gnomAD no frequency). This missense change has been observed in individual(s) with polycystic kidney disease (PMID: 15108281). In at least one individual the data is consistent with being in trans (on the opposite chromosome) from a pathogenic variant. ClinVar contains an entry for this variant (Variation ID: 2136418). Advanced modeling of protein sequence and biophysical properties (such as structural, functional, and spatial information, amino acid conservation, physicochemical variation, residue mobility, and thermodynamic stability) performed at Invitae indicates that this missense variant is expected to disrupt PKHD1 protein function. This variant disrupts the p.Cys1472 amino acid residue in PKHD1. Other variant(s) that disrupt this residue have been determined to be pathogenic (Invitae). This suggests that this residue is clinically significant, and that variants that disrupt this residue are likely to be disease-causing. For these reasons, this variant has been classified as Pathogenic.

Literature cited by the submitters: PubMed 15108281 (cited by Myriad Genetics, Inc. and Labcorp Genetics (formerly Invitae), Labcorp).